The following is an entry in ClinVar:

NM_000038.6(APC):c.7200A>T (p.Gly2400=)

Gene: APC (APC regulator of Wnt signaling pathway; plus strand). Cytogenetic location: 5q22.2.
Variant type: single nucleotide variant.
Coding change: c.7200A>T on transcript NM_000038.6 (MANE Select); coding-DNA position 7200, A replaced by T.
Protein change: p.Gly2400=; no amino-acid change (glycine 2400 retained).
Molecular consequence: synonymous variant.
Genome position (GRCh38, 1-based): chr5:112,842,794, A>T. VCF-style: chr5-112842794-A-T. GRCh37 (hg19) VCF-style: chr5-112178491-A-T.
Other names: c.7200A>T, p.Gly2400= (NM_001127510.3, NM_001354895.2); c.7146A>T, p.Gly2382= (NM_001127511.3); c.7254A>T, p.Gly2418= (NM_001354896.2); c.7230A>T, p.Gly2410= (NM_001354897.2); c.7125A>T, p.Gly2375= (NM_001354898.2); c.7116A>T, p.Gly2372= (NM_001354899.2); c.7077A>T, p.Gly2359= (NM_001354900.2); c.7023A>T, p.Gly2341= (NM_001354901.2); and 5 more.
Identifiers: ClinVar variation 926881 (VCV000926881.3), dbSNP rs1766408359, ClinGen allele CA446210193.

ClinVar aggregate classification (germline): Benign/Likely benign. Review status: criteria provided, multiple submitters, no conflicts (2 of 4 stars). 2 submissions from 2 submitters: Benign (1); Likely benign (1). Last evaluated 2024-04-09.

Conditions:
Hereditary cancer-predisposing syndrome. Also called: Neoplastic Syndromes, Hereditary; Tumor predisposition; Hereditary Cancer Syndrome; Hereditary neoplastic syndrome. Identifiers: Orphanet 140162, MedGen C0027672, MeSH D009386, MONDO:0015356.
Familial adenomatous polyposis 1 (FAP1). Also called: FAMILIAL ADENOMATOUS POLYPOSIS 1, ATTENUATED; POLYPOSIS, ADENOMATOUS INTESTINAL. Identifiers: MedGen C2713442, MONDO:0021056, OMIM 175100. Disease mechanism: loss of function.

Submissions (2):

Myriad Genetics, Inc.
Classification: Benign for Familial adenomatous polyposis 1. Last evaluated: 2024-04-09. Review status: criteria provided, single submitter. Criteria: Myriad Autosomal Dominant, Autosomal Recessive and X-Linked Classification Criteria (2023). Collection method: clinical testing. Allele origin: unknown.
Comment: This variant is considered benign. This variant is a silent/synonymous amino acid change and it is not expected to impact splicing.

Color Diagnostics, LLC DBA Color Health
Classification: Likely benign for Hereditary cancer-predisposing syndrome. Last evaluated: 2019-02-22. Review status: criteria provided, single submitter. Criteria: ACMG Guidelines, 2015. Collection method: clinical testing. Allele origin: germline.